The following is an entry in ClinVar:

ClinVar aggregate classification (germline): Uncertain significance (1 of 4 stars; one submission).

Conditions:
Acroosteolysis-keloid-like lesions-premature aging syndrome. Also called: Progeroid syndrome, Penttinen type; Premature aging syndrome, Penttinen type; Prematurely aged appearance, delayed bone maturation, acro-osteolysis, and brachydactyly. Identifiers: Orphanet 363665, MedGen C1866182, MONDO:0011150, OMIM 601812.
Skeletal overgrowth-craniofacial dysmorphism-hyperelastic skin-white matter lesions syndrome. Also called: SKELETAL OVERGROWTH WITH FACIAL DYSMORPHISM, HYPERELASTIC SKIN, WHITE MATTER LESIONS, AND NEUROLOGIC DETERIORATION; Kosaki overgrowth syndrome. Identifiers: Orphanet 477831, MedGen C4225270, MONDO:0014704, OMIM 616592.
Basal ganglia calcification, idiopathic, 4 (PFBC4). Also called: PRIMARY FAMILIAL BRAIN CALCIFICATION 4, AUTOSOMAL DOMINANT; Familial Idiopathic Basal Ganglia Calcification 4. Identifiers: Orphanet 1980, MedGen C3554321, MONDO:0014004, OMIM 615007.
Infantile myofibromatosis (IMF). Also called: Congenital generalized fibromatosis. Identifiers: Orphanet 2591, MedGen C0432284, MONDO:0016824.

Allele frequency attached by ClinVar (database versions not stated): gnomAD 0.00001; gnomAD exomes 0.00001 and 0.00003; TOPMed 0.00002; ExAC 0.00002.

Submission:

Labcorp Genetics (formerly Invitae), Labcorp
Classification: Uncertain significance for Basal ganglia calcification, idiopathic, 4; Skeletal overgrowth-craniofacial dysmorphism-hyperelastic skin-white matter lesions syndrome; Infantile myofibromatosis; Acroosteolysis-keloid-like lesions-premature aging syndrome. Last evaluated: 2021-08-10. Review status: criteria provided, single submitter. Criteria: Invitae Variant Classification Sherloc (09022015). Collection method: clinical testing. Allele origin: germline.
Comment: In summary, the available evidence is currently insufficient to determine the role of this variant in disease. Therefore, it has been classified as a Variant of Uncertain Significance. This variant has not been reported in the literature in individuals affected with PDGFRB-related conditions. This variant is present in population databases (rs771859820, ExAC 0.003%). This sequence change creates a premature translational stop signal (p.Leu602Trpfs*21) in the PDGFRB gene. It is expected to result in an absent or disrupted protein product. However, the current clinical and genetic evidence is not sufficient to establish whether loss-of-function variants in PDGFRB cause disease.

NM_002609.4(PDGFRB):c.1804del (p.Leu602fs)

Gene: PDGFRB (platelet derived growth factor receptor beta; minus strand). Cytogenetic location: 5q32.
Variant type: Deletion.
Coding change: c.1804del on transcript NM_002609.4 (MANE Select); coding-DNA position 1804, one base deleted (C; older notation c.1804delC).
Protein change: p.Leu602fs; shifts the reading frame from leucine 602.
Molecular consequence: frameshift variant.
Genome position (GRCh38, 1-based): chr5:150,125,448, G deleted on the plus strand (C on the coding strand, the reverse complement: PDGFRB is on the minus strand). VCF-style (leftmost placement, unchanged base first): chr5-150125447-AG-A. GRCh37 (hg19) VCF-style: chr5-149505010-AG-A.
Other names: c.1612del, p.Leu538fs (NM_001355016.2); c.1321del, p.Leu441fs (NM_001355017.2); short protein forms L441fs, L602fs, L538fs.
Identifiers: ClinVar variation 1419345 (VCV001419345.6), dbSNP rs771859820, ClinGen allele CA3507872.
Genomic context (GRCh38, chr5:150,125,447, plus strand): 5'-GAGTCTTCCCACCCAACTTGAGTCCCCACACTGCCACATGAGGCCTCTCAGGACTGACCC[AG>A]CACAAGCTGGTCCCGCGGCAGCTCCCACGTGGAGTCATAGGGCAGCTGCATGGGGTCCAC-3'